The following is an entry in ClinVar:

ClinVar aggregate classification (germline): Likely benign (1 of 4 stars; one submission).

Allele frequency attached by ClinVar (database versions not stated): gnomAD 0.01393 and 0.01687; TOPMed 0.01871; 1000 Genomes Project 0.04213.
gnomAD v4.1: 2,552 of 151,718 alleles (1.7%); highest among the groups gnomAD compares: East Asian, 13%; 74 homozygotes.

Submission:

GeneDx
Classification: Likely benign. Last evaluated: 2018-06-16. Review status: criteria provided, single submitter. Criteria: GeneDx Variant Classification (06012015). Collection method: clinical testing. Allele origin: germline. Affected: yes.
Comment: This variant is considered likely benign or benign based on one or more of the following criteria: it is a conservative change, it occurs at a poorly conserved position in the protein, it is predicted to be benign by multiple in silico algorithms, and/or has population frequency not consistent with disease.

NM_001267550.2(TTN):c.2841+198T>C

Gene: TTN (titin; minus strand). Cytogenetic location: 2q31.2.
Variant type: single nucleotide variant.
Coding change: c.2841+198T>C on transcript NM_001267550.2 (MANE Select); 198 bases into the intron after coding-DNA position 2841, T replaced by C.
Molecular consequence: intron variant.
Genome position (GRCh38, 1-based): chr2:178,783,522, A>G on the plus strand (T>C on the coding strand, the complement: TTN is on the minus strand). VCF-style: chr2-178783522-A-G. GRCh37 (hg19) VCF-style: chr2-179648249-A-G.
Other names: c.2841+198T>C (NM_001256850.1, NM_133378.4, NM_133379.5); c.2703+198T>C (NM_003319.4, NM_133437.4, NM_133432.3).
Identifiers: ClinVar variation 674354 (VCV000674354.1), dbSNP rs75798346, ClinGen allele CA60981400.
Genomic context (GRCh38, chr2:178,783,522, plus strand): 5'-TGCAATAATGCCTTCTGCATATTAGAAGCTCATTAAATCTTTTGAATCCATGAATGATGT[A>G]CCACATAGAATTCCCTTCTTCCTTGCCAAATATGGTCAAATATGGTCTTCCAGACCAAAT-3'